The following is an entry in ClinVar:

ClinVar aggregate classification (germline): Conflicting classifications of pathogenicity. Review status: criteria provided, conflicting classifications (1 of 4 stars). 3 submissions from 3 submitters: Uncertain significance (1); Benign (1); Likely benign (1). Last evaluated 2026-07-01.

Conditions:
Inborn genetic diseases. Identifiers: MedGen C0950123, MeSH D030342.

Allele frequency attached by ClinVar (database versions not stated): 1000 Genomes Project 30x 0.00016; gnomAD 0.00019; 1000 Genomes Project 0.00020; gnomAD exomes 0.00026 and 0.00129; TOPMed 0.00065; ExAC 0.00110.
gnomAD v4.1: 394 of 1,613,718 alleles (0.024%); highest among the groups gnomAD compares: Admixed American, 0.65%; 4 homozygotes.

Submissions (3):

CeGaT Center for Human Genetics Tuebingen
Classification: Likely benign. Last evaluated: 2026-07-01. Review status: criteria provided, single submitter. Criteria: CeGaT Center For Human Genetics Tuebingen Variant Classification Criteria Version 2. Collection method: clinical testing. Allele origin: germline. Affected: yes. Observed: 1 variant allele.
Comment: TOP3A: BP4

Labcorp Genetics (formerly Invitae), Labcorp
Classification: Benign. Last evaluated: 2026-01-08. Review status: criteria provided, single submitter. Criteria: Invitae Variant Classification Sherloc (09022015). Collection method: clinical testing. Allele origin: germline.

Ambry Genetics
Classification: Uncertain significance for Inborn genetic diseases. Last evaluated: 2023-09-20. Review status: criteria provided, single submitter. Criteria: Ambry Variant Classification Scheme 2023. Collection method: clinical testing. Allele origin: germline.

NM_004618.5(TOP3A):c.2006C>T (p.Thr669Ile)

Gene: TOP3A (DNA topoisomerase III alpha; minus strand). Cytogenetic location: 17p11.2.
Variant type: single nucleotide variant.
Coding change: c.2006C>T on transcript NM_004618.5 (MANE Select); coding-DNA position 2006, C replaced by T.
Protein change: p.Thr669Ile; replaces threonine 669 with isoleucine.
Molecular consequence: missense variant.
Genome position (GRCh38, 1-based): chr17:18,282,713, G>A on the plus strand (C>T on the coding strand, the complement: TOP3A is on the minus strand). VCF-style: chr17-18282713-G-A. GRCh37 (hg19) VCF-style: chr17-18186027-G-A.
Other names: c.2006C>T (NM_004618.3); c.1721C>T, p.Thr574Ile (NM_001320759.2); short protein forms T574I, T669I.
Identifiers: ClinVar variation 1553235 (VCV001553235.10), dbSNP rs185423024, ClinGen allele CA8429735.